The following is an entry in ClinVar:

NM_020433.5(JPH2):c.136T>G (p.Phe46Val)

Gene: JPH2 (junctophilin 2; minus strand). Cytogenetic location: 20q13.12.
Variant type: single nucleotide variant.
Coding change: c.136T>G on transcript NM_020433.5 (MANE Select); coding-DNA position 136, T replaced by G.
Protein change: p.Phe46Val; replaces phenylalanine 46 with valine.
Molecular consequence: missense variant.
Genome position (GRCh38, 1-based): chr20:44,186,570, A>C on the plus strand (T>G on the coding strand, the complement: JPH2 is on the minus strand). VCF-style: chr20-44186570-A-C. GRCh37 (hg19) VCF-style: chr20-42815210-A-C.
Other names: c.136T>G, p.Phe46Val (NM_175913.4); short protein forms F46V.
Identifiers: ClinVar variation 4712635 (VCV004712635.1).

ClinVar aggregate classification (germline): Uncertain significance (1 of 4 stars; one submission).

Conditions:
Hypertrophic cardiomyopathy. Also called: HYPERTROPHIC MYOCARDIOPATHY. Identifiers: Orphanet 217569, MedGen C0007194, MeSH D002312, MONDO:0005045, HP:0001639.

Submission:

Labcorp Genetics (formerly Invitae), Labcorp
Classification: Uncertain significance for Hypertrophic cardiomyopathy. Last evaluated: 2025-02-09. Review status: criteria provided, single submitter. Criteria: Invitae Variant Classification Sherloc (09022015). Collection method: clinical testing. Allele origin: germline.
Comment: This sequence change replaces phenylalanine, which is neutral and non-polar, with valine, which is neutral and non-polar, at codon 46 of the JPH2 protein (p.Phe46Val). This variant is not present in population databases (gnomAD no frequency). This variant has not been reported in the literature in individuals affected with JPH2-related conditions. An algorithm developed to predict the effect of missense changes on protein structure and function (PolyPhen-2) suggests that this variant is likely to be disruptive. In summary, the available evidence is currently insufficient to determine the role of this variant in disease. Therefore, it has been classified as a Variant of Uncertain Significance.